The following is an entry in ClinVar:

NM_004960.4(FUS):c.6C>T (p.Ala2=)

Gene: FUS (FUS DNA/RNA binding protein; plus strand). Cytogenetic location: 16p11.2.
Variant type: single nucleotide variant.
Coding change: c.6C>T on transcript NM_004960.4 (MANE Select); coding-DNA position 6, C replaced by T.
Protein change: p.Ala2=; no amino-acid change (alanine 2 retained).
Molecular consequence: synonymous variant. On other transcripts: non-coding transcript variant (1).
Genome position (GRCh38, 1-based): chr16:31,180,220, C>T. VCF-style: chr16-31180220-C-T. GRCh37 (hg19) VCF-style: chr16-31191541-C-T.
Other names: c.6C>T, p.Ala2= (NM_001170634.1, NM_001170937.1).
Identifiers: ClinVar variation 3029985 (VCV003029985.18), dbSNP rs549671130, ClinGen allele CA8023358.

ClinVar aggregate classification (germline): Likely benign. Review status: criteria provided, multiple submitters, no conflicts (2 of 4 stars). 3 submissions from 3 submitters: Likely benign (3). Last evaluated 2025-04-14.

Conditions:
FUS-related disorder. Also called: FUS-related condition.

gnomAD v4.1: 74 of 1,611,112 alleles (0.0046%); highest among the groups gnomAD compares: Non-Finnish European, 0.006%; no homozygotes.

Submissions (3):

PreventionGenetics, part of Exact Sciences
Classification: Likely benign for FUS-related condition. Last evaluated: 2025-04-14. Review status: criteria provided, single submitter. Criteria: ACMG Guidelines, 2015. Collection method: clinical testing. Allele origin: germline.
Comment: This variant is classified as likely benign based on ACMG/AMP sequence variant interpretation guidelines (Richards et al. 2015 PMID: 25741868, with internal and published modifications).

CeGaT Center for Human Genetics Tuebingen
Classification: Likely benign. Last evaluated: 2024-11-01. Review status: criteria provided, single submitter. Criteria: CeGaT Center For Human Genetics Tuebingen Variant Classification Criteria Version 2. Collection method: clinical testing. Allele origin: germline. Affected: yes. Observed: 1 variant allele.
Comment: FUS: BP4, BP7

Blueprint Genetics
Classification: Likely benign. Last evaluated: 2020-05-04. Review status: criteria provided, single submitter. Criteria: ACMG Guidelines, 2015. Collection method: clinical testing. Allele origin: germline.